The following is an entry in ClinVar:

NM_144991.3(TSPEAR):c.1493G>A (p.Gly498Asp)

Gene: TSPEAR (thrombospondin type laminin G domain and EAR repeats; minus strand). Cytogenetic location: 21q22.3.
Variant type: single nucleotide variant.
Coding change: c.1493G>A on transcript NM_144991.3 (MANE Select); coding-DNA position 1493, G replaced by A.
Protein change: p.Gly498Asp; replaces glycine 498 with aspartic acid.
Molecular consequence: missense variant.
Genome position (GRCh38, 1-based): chr21:44,521,956, C>T on the plus strand (G>A on the coding strand, the complement: TSPEAR is on the minus strand). VCF-style: chr21-44521956-C-T. GRCh37 (hg19) VCF-style: chr21-45941839-C-T.
Other names: c.1289G>A, p.Gly430Asp (NM_001272037.2); short protein forms G498D, G430D.
Identifiers: ClinVar variation 504952 (VCV000504952.5), dbSNP rs782040120, ClinGen allele CA410436856.

ClinVar aggregate classification (germline): Uncertain significance (1 of 4 stars; one submission).

Submission:

Laboratory for Molecular Medicine, Mass General Brigham Personalized Medicine
Classification: Uncertain significance. Last evaluated: 2016-05-10. Review status: criteria provided, single submitter. Criteria: LMM Criteria. Collection method: clinical testing. Allele origin: germline. Observed: 1 variant allele.
Comment: The p.Gly498Asp variant in TSPEAR has not been previously reported in individual s with hearing loss or in large population studies. Computational prediction too ls and conservation analysis suggest that the p.Gly498Asp variant may impact the protein, though this information is not predictive enough to determine pathogen icity. In summary, the clinical significance of the p.Gly498Asp variant is uncer tain.